The following is an entry in ClinVar:

ClinVar aggregate classification (germline): Uncertain significance. Review status: criteria provided, multiple submitters, no conflicts (2 of 4 stars). 2 submissions from 2 submitters: Uncertain significance (2). Last evaluated 2023-07-05.

Conditions:
Bardet-Biedl syndrome (BBS). Identifiers: Orphanet 110, MedGen C0752166, MONDO:0015229.

Allele frequency attached by ClinVar (database versions not stated): gnomAD exomes below 0.00001; TOPMed below 0.00001; gnomAD 0.00001.
gnomAD v4.1: 5 of 1,613,058 alleles (0.00031%); highest among the groups gnomAD compares: South Asian, 0.0022%; no homozygotes.

Submissions (2):

Blueprint Genetics
Classification: Uncertain significance. Last evaluated: 2023-07-05. Review status: criteria provided, single submitter. Criteria: ACMG Guidelines, 2015. Collection method: clinical testing. Allele origin: germline.

Labcorp Genetics (formerly Invitae), Labcorp
Classification: Uncertain significance for Bardet-Biedl syndrome. Last evaluated: 2022-01-11. Review status: criteria provided, single submitter. Criteria: Invitae Variant Classification Sherloc (09022015). Collection method: clinical testing. Allele origin: germline.
Comment: This sequence change replaces alanine, which is neutral and non-polar, with glutamic acid, which is acidic and polar, at codon 65 of the TTC8 protein (p.Ala65Glu). This variant is present in population databases (no rsID available, gnomAD 0.0009%). This variant has not been reported in the literature in individuals affected with TTC8-related conditions. Algorithms developed to predict the effect of missense changes on protein structure and function are either unavailable or do not agree on the potential impact of this missense change (SIFT: "Deleterious"; PolyPhen-2: "Probably Damaging"; Align-GVGD: "Class C0"). In summary, the available evidence is currently insufficient to determine the role of this variant in disease. Therefore, it has been classified as a Variant of Uncertain Significance.

NM_144596.4(TTC8):c.224C>A (p.Ala75Glu)

Gene: TTC8 (tetratricopeptide repeat domain 8; plus strand). Cytogenetic location: 14q31.3.
Variant type: single nucleotide variant.
Coding change: c.224C>A on transcript NM_144596.4 (MANE Select); coding-DNA position 224, C replaced by A.
Protein change: p.Ala75Glu; replaces alanine 75 with glutamic acid.
Molecular consequence: missense variant. On other transcripts: 5 prime UTR variant (2), non-coding transcript variant (1).
Genome position (GRCh38, 1-based): chr14:88,839,531, C>A. VCF-style: chr14-88839531-C-A. GRCh37 (hg19) VCF-style: chr14-89305875-C-A.
Other names: c.194C>A, p.Ala65Glu (NM_001288781.1, NM_001366535.2, NM_001366536.2 and 2 more transcripts); c.-369C>A (NM_001288782.1); c.-464C>A (NM_001288783.1); short protein forms A65E, A75E.
Identifiers: ClinVar variation 1980986 (VCV001980986.2), dbSNP rs1230989542, ClinGen allele CA390572859.